The following is an entry in ClinVar:

ClinVar aggregate classification (germline): Uncertain significance. Review status: criteria provided, multiple submitters, no conflicts (2 of 4 stars). 2 submissions from 2 submitters: Uncertain significance (2). Last evaluated 2023-06-01.

Submissions (2):

GeneDx
Classification: Uncertain significance. Last evaluated: 2023-06-01. Review status: criteria provided, single submitter. Criteria: GeneDx Variant Classification Process June 2021. Collection method: clinical testing. Allele origin: germline. Affected: yes.
Comment: Not observed at significant frequency in large population cohorts (gnomAD); In silico analysis supports that this missense variant has a deleterious effect on protein structure/function; Has not been previously published as pathogenic or benign to our knowledge

Labcorp Genetics (formerly Invitae), Labcorp
Classification: Uncertain significance. Last evaluated: 2023-01-17. Review status: criteria provided, single submitter. Criteria: Invitae Variant Classification Sherloc (09022015). Collection method: clinical testing. Allele origin: germline.
Comment: This sequence change replaces isoleucine, which is neutral and non-polar, with threonine, which is neutral and polar, at codon 162 of the SPTBN1 protein (p.Ile162Thr). In summary, the available evidence is currently insufficient to determine the role of this variant in disease. Therefore, it has been classified as a Variant of Uncertain Significance. Advanced modeling of protein sequence and biophysical properties (such as structural, functional, and spatial information, amino acid conservation, physicochemical variation, residue mobility, and thermodynamic stability) performed at Invitae indicates that this missense variant is expected to disrupt SPTBN1 protein function. This variant has not been reported in the literature in individuals affected with SPTBN1-related conditions. This variant is not present in population databases (gnomAD no frequency).

NM_003128.3(SPTBN1):c.485T>C (p.Ile162Thr)

Gene: SPTBN1 (spectrin beta, non-erythrocytic 1; plus strand). Cytogenetic location: 2p16.2.
Variant type: single nucleotide variant.
Coding change: c.485T>C on transcript NM_003128.3 (MANE Select); coding-DNA position 485, T replaced by C.
Protein change: p.Ile162Thr; replaces isoleucine 162 with threonine.
Molecular consequence: missense variant.
Genome position (GRCh38, 1-based): chr2:54,616,217, T>C. VCF-style: chr2-54616217-T-C. GRCh37 (hg19) VCF-style: chr2-54843354-T-C.
Other names: c.485T>C (NM_003128.2); c.446T>C, p.Ile149Thr (NM_178313.3); short protein forms I162T, I149T.
Identifiers: ClinVar variation 2820639 (VCV002820639.4), dbSNP rs2549502622, ClinGen allele CA346860934.